The following is an entry in ClinVar:

NM_000141.5(FGFR2):c.293C>T (p.Thr98Met)

Gene: FGFR2 (fibroblast growth factor receptor 2; minus strand). Cytogenetic location: 10q26.13.
Variant type: single nucleotide variant.
Coding change: c.293C>T on transcript NM_000141.5 (MANE Select); coding-DNA position 293, C replaced by T.
Protein change: p.Thr98Met; replaces threonine 98 with methionine.
Molecular consequence: missense variant. On other transcripts: intron variant (9).
Genome position (GRCh38, 1-based): chr10:121,565,521, G>A on the plus strand (C>T on the coding strand, the complement: FGFR2 is on the minus strand). VCF-style: chr10-121565521-G-A. GRCh37 (hg19) VCF-style: chr10-123325035-G-A.
Other names: c.110-942C>T (NM_001441089.1, NM_023029.3, NM_001441088.1 and 2 more transcripts); c.110-14062C>T (NM_001144916.2, NM_001144918.2, NM_001441091.1 and 1 more transcripts); c.293C>T, p.Thr98Met (NM_001144913.1, NM_001144914.1, NM_001144917.2 and 3 more transcripts); short protein forms T98M.
Identifiers: ClinVar variation 2072601 (VCV002072601.5), dbSNP rs1041970177, ClinGen allele CA214300126.

ClinVar aggregate classification (germline): Uncertain significance. Review status: criteria provided, multiple submitters, no conflicts (2 of 4 stars). 4 submissions from 4 submitters: Uncertain significance (4). Last evaluated 2025-11-19.

Conditions:
Inborn genetic diseases. Identifiers: MedGen C0950123, MeSH D030342.
Bent bone dysplasia syndrome 1 (BBDS1). Also called: FGFR2-related bent bone dysplasia. Identifiers: Orphanet 313855, MedGen C3281247, MONDO:0013815, OMIM 614592.
Familial scaphocephaly syndrome, McGillivray type. Also called: SCAPHOCEPHALY, MAXILLARY RETRUSION, AND IMPAIRED INTELLECTUAL DEVELOPMENT. Identifiers: Orphanet 168624, MedGen C1865070, MONDO:0012307, OMIM 609579.
Beare-Stevenson cutis gyrata syndrome (BSTVS). Identifiers: Orphanet 1555, MedGen C1852406, MONDO:0007412, OMIM 123790.
Pfeiffer syndrome (ACS5). Also called: ACS V. Identifiers: Orphanet 710, MedGen C0220658, MONDO:0007043, OMIM 101600.
Antley-Bixler syndrome without genital anomalies or disordered steroidogenesis (ABS2). Also called: MULTISYNOSTOTIC OSTEODYSGENESIS WITH LONG BONE FRACTURES; Antley-Bixler Syndrome, Autosomal Dominant; Trapezoidocephaly synostosis syndrome; Osteodysgenesis, multisynostotic with fractures. Identifiers: Orphanet 596008, Orphanet 83, MedGen C2936791, MONDO:0020667, OMIM 207410.
Saethre-Chotzen syndrome (SCS). Also called: ACROCEPHALY, SKULL ASYMMETRY, AND MILD SYNDACTYLY; ACS III; CHOTZEN SYNDROME. Identifiers: Orphanet 794, MedGen C0175699, MONDO:0007042, OMIM 101400.
LADD syndrome 1 (LADD1). Also called: Lacrimoauriculodentodigital syndrome 1. Identifiers: MedGen C5774323, MONDO:0100302, OMIM 149730.
Crouzon syndrome. Also called: CRANIOFACIAL DYSOSTOSIS, TYPE I; Craniofacial dysostosis type 1; Crouzon craniofacial dysostosis; Crouzon disease; Craniofacial dysostosis. Identifiers: Orphanet 207, MedGen C0010273, MeSH D003394, MONDO:0007405, OMIM 123500, HP:0004439.
Jackson-Weiss syndrome (JWS). Also called: CRANIOSYNOSTOSIS, MIDFACIAL HYPOPLASIA, AND FOOT ABNORMALITIES. Identifiers: Orphanet 1540, MedGen C0795998, MONDO:0007400, OMIM 123150. Disease mechanism: loss of function.
Acrocephalosyndactyly type I (ACS1). Also called: Acrocephalo-syndactyly type 1; ACS 1; Syndactylic oxycephaly; Apert syndrome. Identifiers: Orphanet 87, MedGen C0001193, MONDO:0007041, OMIM 101200.
Gastric cancer. Also called: Malignant tumor of stomach; Stomach cancer. Identifiers: MedGen C0024623, MeSH D013274, MONDO:0001056, OMIM 613659, HP:0012126.
FGFR2-related craniosynostosis. Identifiers: MedGen CN231480.

Allele frequency attached by ClinVar (database versions not stated): gnomAD 0.00001; TOPMed 0.00002.
gnomAD v4.1: 59 of 1,614,074 alleles (0.0037%); highest among the groups gnomAD compares: Admixed American, 0.005%; no homozygotes.

Submissions (4):

Ambry Genetics
Classification: Uncertain significance for Inborn genetic diseases. Last evaluated: 2025-11-19. Review status: criteria provided, single submitter. Criteria: Ambry Variant Classification Scheme 2023. Collection method: clinical testing. Allele origin: germline.
Comment: The c.293C>T (p.T98M) alteration is located in exon 3 (coding exon 2) of the FGFR2 gene. This alteration results from a C to T substitution at nucleotide position 293, causing the threonine (T) at amino acid position 98 to be replaced by a methionine (M). Based on data from gnomAD, the T allele has an overall frequency of 0.003% (7/251474) total alleles studied. The highest observed frequency was 0.01% (3/30614) of South Asian alleles. Based on insufficient or conflicting evidence, the clinical significance of this alteration remains unclear.

Fulgent Genetics
Classification: Uncertain significance for Acrocephalosyndactyly type I; Saethre-Chotzen syndrome; Pfeiffer syndrome; Jackson-Weiss syndrome; Crouzon syndrome; Beare-Stevenson cutis gyrata syndrome; LADD syndrome 1; Antley-Bixler syndrome without genital anomalies or disordered steroidogenesis; Familial scaphocephaly syndrome, McGillivray type; Gastric cancer; Bent bone dysplasia syndrome 1. Last evaluated: 2024-03-05. Review status: criteria provided, single submitter. Criteria: ACMG Guidelines, 2015. Collection method: clinical testing. Allele origin: germline.

GeneDx
Classification: Uncertain significance. Last evaluated: 2023-11-28. Review status: criteria provided, single submitter. Criteria: GeneDx Variant Classification Process June 2021. Collection method: clinical testing. Allele origin: germline. Affected: yes.
Comment: In silico analysis supports that this missense variant has a deleterious effect on protein structure/function; Identified in a patient with a cleft palate in published literature (PMID: 27527345); This variant is associated with the following publications: (PMID: 27527345)

Labcorp Genetics (formerly Invitae), Labcorp
Classification: Uncertain significance for FGFR2-related craniosynostosis. Last evaluated: 2022-06-15. Review status: criteria provided, single submitter. Criteria: Invitae Variant Classification Sherloc (09022015). Collection method: clinical testing. Allele origin: germline.
Comment: In summary, the available evidence is currently insufficient to determine the role of this variant in disease. Therefore, it has been classified as a Variant of Uncertain Significance. This sequence change replaces threonine, which is neutral and polar, with methionine, which is neutral and non-polar, at codon 98 of the FGFR2 protein (p.Thr98Met). This variant is present in population databases (no rsID available, gnomAD 0.01%). This missense change has been observed in individual(s) with clinical features of FGFR2-related conditions (PMID: 27527345). Algorithms developed to predict the effect of missense changes on protein structure and function (SIFT, PolyPhen-2, Align-GVGD) all suggest that this variant is likely to be tolerated.

Literature cited by the submitters: PubMed 27527345 (cited by Labcorp Genetics (formerly Invitae), Labcorp).